The following is an entry in ClinVar:

ClinVar aggregate classification (germline): Uncertain significance (1 of 4 stars; one submission).

Submission:

GeneDx
Classification: Uncertain significance. Last evaluated: 2025-09-20. Review status: criteria provided, single submitter. Criteria: GeneDx Variant Classification Process June 2021. Collection method: clinical testing. Allele origin: germline. Affected: yes.
Comment: Not observed at significant frequency in large population cohorts (gnomAD); In silico analysis supports a deleterious effect on splicing; Has not been previously published as pathogenic or benign to our knowledge

NM_001353345.2(SETD1B):c.3418+5G>A

Gene: SETD1B (SET domain containing 1B, histone lysine methyltransferase; plus strand). Cytogenetic location: 12q24.31.
Variant type: single nucleotide variant.
Coding change: c.3418+5G>A on transcript NM_001353345.2 (MANE Select); 5 bases into the intron after coding-DNA position 3418, G replaced by A.
Molecular consequence: intron variant.
Genome position (GRCh38, 1-based): chr12:121,817,909, G>A. VCF-style: chr12-121817909-G-A. GRCh37 (hg19) VCF-style: chr12-122255815-G-A.
Identifiers: ClinVar variation 4813895 (VCV004813895.1).